The following is an entry in ClinVar:

NM_014915.3(ANKRD26):c.1269+3A>G

Gene: ANKRD26 (ankyrin repeat domain 26; minus strand). Cytogenetic location: 10p12.1.
Variant type: single nucleotide variant.
Coding change: c.1269+3A>G on transcript NM_014915.3 (MANE Select); 3 bases into the intron after coding-DNA position 1269, A replaced by G.
Molecular consequence: intron variant.
Genome position (GRCh38, 1-based): chr10:27,066,484, T>C on the plus strand (A>G on the coding strand, the complement: ANKRD26 is on the minus strand). VCF-style: chr10-27066484-T-C. GRCh37 (hg19) VCF-style: chr10-27355413-T-C.
Other names: c.1269+3A>G (NM_001256053.2).
Identifiers: ClinVar variation 1338447 (VCV001338447.7), dbSNP rs770314193, ClinGen allele CA5448628.

ClinVar aggregate classification (germline): Uncertain significance. Review status: criteria provided, multiple submitters, no conflicts (2 of 4 stars). 2 submissions from 2 submitters: Uncertain significance (2). Last evaluated 2023-10-07.

Allele frequency attached by ClinVar (database versions not stated): gnomAD exomes below 0.00001; ExAC 0.00001; TOPMed 0.00001.
gnomAD v4.1: 3 of 1,578,922 alleles (0.00019%); highest among the groups gnomAD compares: Non-Finnish European, 0.00026%; no homozygotes.

Submissions (2):

Labcorp Genetics (formerly Invitae), Labcorp
Classification: Uncertain significance. Last evaluated: 2023-10-07. Review status: criteria provided, single submitter. Criteria: Invitae Variant Classification Sherloc (09022015). Collection method: clinical testing. Allele origin: germline.
Comment: This sequence change falls in intron 11 of the ANKRD26 gene. It does not directly change the encoded amino acid sequence of the ANKRD26 protein. It affects a nucleotide within the consensus splice site. This variant is present in population databases (rs770314193, gnomAD 0.0009%). This variant has not been reported in the literature in individuals affected with ANKRD26-related conditions. ClinVar contains an entry for this variant (Variation ID: 1338447). Variants that disrupt the consensus splice site are a relatively common cause of aberrant splicing (PMID: 17576681, 9536098). Algorithms developed to predict the effect of sequence changes on RNA splicing suggest that this variant may disrupt the consensus splice site. In summary, the available evidence is currently insufficient to determine the role of this variant in disease. Therefore, it has been classified as a Variant of Uncertain Significance.

Genetic Services Laboratory, University of Chicago
Classification: Uncertain significance. Last evaluated: 2020-10-01. Review status: criteria provided, single submitter. Criteria: ACMG Guidelines, 2015. Collection method: clinical testing. Allele origin: germline. Affected: no.

Literature cited by the submitters: PubMed 17576681 (cited by Labcorp Genetics (formerly Invitae), Labcorp); PubMed 9536098 (cited by Labcorp Genetics (formerly Invitae), Labcorp).